The following is an entry in ClinVar:

NM_001130438.3(SPTAN1):c.701A>G (p.Asn234Ser)

Gene: SPTAN1 (spectrin alpha, non-erythrocytic 1; plus strand). Cytogenetic location: 9q34.11.
Variant type: single nucleotide variant.
Coding change: c.701A>G on transcript NM_001130438.3 (MANE Select); coding-DNA position 701, A replaced by G.
Protein change: p.Asn234Ser; replaces asparagine 234 with serine.
Molecular consequence: missense variant.
Genome position (GRCh38, 1-based): chr9:128,576,872, A>G. VCF-style: chr9-128576872-A-G. GRCh37 (hg19) VCF-style: chr9-131339151-A-G.
Other names: c.701A>G, p.Asn234Ser (NM_001195532.2, NM_001363759.2, NM_001363765.2 and 1 more transcripts); short protein forms N234S.
Identifiers: ClinVar variation 516504 (VCV000516504.21), dbSNP rs752578570, ClinGen allele CA5264233.
Genomic context (GRCh38, chr9:128,576,872, plus strand): 5'-TCCTTGTTTAGGAGCAGCACCCTGAGGAGGAACTGATCAAGACTAAGCAGGATGAAGTCA[A>G]TGCAGCCTGGCAGCGGCTGAAGGGCCTGGCTCTGCAGAGGCAGGGGAAGCTCTTTGGGGC-3'
Protein context (NP_001123910.1, residues 224-244): ELIKTKQDEV[Asn234Ser]AAWQRLKGLA

ClinVar aggregate classification (germline): Conflicting classifications of pathogenicity. Review status: criteria provided, conflicting classifications (1 of 4 stars). 6 submissions from 6 submitters: Uncertain significance (3); Likely benign (3). Last evaluated 2025-12-01.

Conditions:
Inborn genetic diseases. Identifiers: MedGen C0950123, MeSH D030342.
Developmental and epileptic encephalopathy, 5 (DEE5). Identifiers: Orphanet 3451, MedGen C3150731, MONDO:0013277, OMIM 613477.
Early-infantile DEE. Also called: Ohtahara syndrome; Early infantile epileptic encephalopathy with suppression bursts; Early infantile epileptic encephalopathy. Identifiers: Orphanet 1934, MedGen C0393706, MONDO:0800491.

Allele frequency attached by ClinVar (database versions not stated): gnomAD 0.00008 and 0.00009; TOPMed 0.00012; ExAC 0.00002; gnomAD exomes 0.00002 and 0.00004.
gnomAD v4.1: 39 of 1,614,030 alleles (0.0024%); highest among the groups gnomAD compares: African/African-American, 0.023%; no homozygotes.

Submissions (6):

Labcorp Genetics (formerly Invitae), Labcorp
Classification: Uncertain significance for Early-infantile DEE. Last evaluated: 2025-12-01. Review status: criteria provided, single submitter. Criteria: Invitae Variant Classification Sherloc (09022015). Collection method: clinical testing. Allele origin: germline.
Comment: This sequence change replaces asparagine, which is neutral and polar, with serine, which is neutral and polar, at codon 234 of the SPTAN1 protein (p.Asn234Ser). This variant is present in population databases (rs752578570, gnomAD 0.03%). This variant has not been reported in the literature in individuals affected with SPTAN1-related conditions. ClinVar contains an entry for this variant (Variation ID: 516504). Invitae Evidence Modeling of protein sequence and biophysical properties (such as structural, functional, and spatial information, amino acid conservation, physicochemical variation, residue mobility, and thermodynamic stability) has been performed for this missense variant. However, the output from this modeling did not meet the statistical confidence thresholds required to predict the impact of this variant on SPTAN1 protein function. In summary, the available evidence is currently insufficient to determine the role of this variant in disease. Therefore, it has been classified as a Variant of Uncertain Significance.

Genome-Nilou Lab
Classification: Uncertain significance for Developmental and epileptic encephalopathy, 5. Last evaluated: 2021-07-15. Review status: criteria provided, single submitter. Criteria: ACMG Guidelines, 2015. Collection method: clinical testing. Allele origin: germline. Affected: no.

Blueprint Genetics
Classification: Likely benign. Last evaluated: 2021-06-10. Review status: criteria provided, single submitter. Criteria: ACMG Guidelines, 2015. Collection method: clinical testing. Allele origin: germline.

New York Genome Center
Classification: Uncertain significance for Developmental and epileptic encephalopathy, 5. Last evaluated: 2020-03-24. Review status: criteria provided, single submitter. Criteria: NYGC Assertion Criteria 2020. Collection method: clinical testing. Allele origin: germline. Observed: 1 heterozygote. Study: CSER-NYCKidSeq.

GeneDx
Classification: Likely benign. Last evaluated: 2018-12-26. Review status: criteria provided, single submitter. Criteria: GeneDx Variant Classification Process June 2021. Collection method: clinical testing. Allele origin: germline. Affected: yes.

Ambry Genetics
Classification: Likely benign for Inborn genetic diseases. Last evaluated: 2017-06-29. Review status: criteria provided, single submitter. Criteria: Ambry Variant Classification Scheme 2023. Collection method: clinical testing. Allele origin: germline.